The following is an entry in ClinVar:

ClinVar aggregate classification (germline): Benign (1 of 4 stars; one submission).

Allele frequency attached by ClinVar (database versions not stated): 1000 Genomes Project 30x 0.67302; TOPMed 0.66915; 1000 Genomes Project 0.67612.
gnomAD v4.1: 101,713 of 152,222 alleles (67%); highest among the groups gnomAD compares: Admixed American, 78%; 34,405 homozygotes.

Submission:

GeneDx
Classification: Benign. Last evaluated: 2018-06-18. Review status: criteria provided, single submitter. Criteria: GeneDx Variant Classification (06012015). Collection method: clinical testing. Allele origin: germline. Affected: yes.
Comment: This variant is considered likely benign or benign based on one or more of the following criteria: it is a conservative change, it occurs at a poorly conserved position in the protein, it is predicted to be benign by multiple in silico algorithms, and/or has population frequency not consistent with disease.

NM_006329.4(FBLN5):c.862+323T>C

Gene: FBLN5 (fibulin 5; minus strand). Cytogenetic location: 14q32.12.
Variant type: single nucleotide variant.
Coding change: c.862+323T>C on transcript NM_006329.4 (MANE Select); 323 bases into the intron after coding-DNA position 862, T replaced by C.
Molecular consequence: intron variant.
Genome position (GRCh38, 1-based): chr14:91,882,631, A>G on the plus strand (T>C on the coding strand, the complement: FBLN5 is on the minus strand). VCF-style: chr14-91882631-A-G. GRCh37 (hg19) VCF-style: chr14-92348975-A-G.
Other names: c.862+323T>C (NM_001384160.1); c.985+323T>C (NM_001384158.1); c.694+323T>C (NM_001384162.1, NM_001384161.1); c.913+323T>C (NM_001384159.1).
Identifiers: ClinVar variation 683515 (VCV000683515.1), dbSNP rs2430349, ClinGen allele CA13946695.